The following is an entry in ClinVar:

NM_024675.4(PALB2):c.1850_1858del (p.Glu617_Phe619del)

Gene: PALB2 (partner and localizer of BRCA2; minus strand). Cytogenetic location: 16p12.2.
Variant type: Deletion.
Coding change: c.1850_1858del on transcript NM_024675.4 (MANE Select); coding-DNA positions 1850 to 1858, 9 bases deleted (AAGACTTTG; older notation c.1850_1858delAAGACTTTG).
Protein change: p.Glu617_Phe619del.
Molecular consequence: inframe deletion. On other transcripts: intron variant (1).
Genome position (GRCh38, 1-based): chr16:23,630,296-23,630,304, CAAAGTCTT deleted on the plus strand (AAGACTTTG on the coding strand, the reverse complement: PALB2 is on the minus strand); deleting any 9 consecutive bases within chr16:23,630,296-23,630,306 gives the same sequence; the c. name uses the placement nearest the transcript's 3' end. VCF-style (leftmost placement, unchanged base first): chr16-23630295-CCAAAGTCTT-C. GRCh37 (hg19) VCF-style: chr16-23641616-CCAAAGTCTT-C.
Other names: c.1790_1798del, p.Glu597_Phe599del (NM_001407296.1); c.1850_1858del, p.Glu617_Phe619del (NM_001407297.1, NM_001407298.1, NM_001407299.1 and 3 more transcripts); c.965_973del, p.Glu322_Phe324del (NM_001407304.1, NM_001407305.1, NM_001407306.1 and 5 more transcripts); c.62_70del, p.Glu21_Phe23del (NM_001407312.1, NM_001407313.1); c.49-1029_49-1021del (NM_001407314.1).
Identifiers: ClinVar variation 2702168 (VCV002702168.3), dbSNP rs2506433498, ClinGen allele CA2697555724.
Genomic context (GRCh38, chr16:23,630,295, plus strand): 5'-GACTCAAAGGGCTCCACTGGTTTTTCTGAGCAGGACTTCACTTTTTCAAGCTTAAGAGGT[CCAAAGTCTT>C]CATCAGGTAACTGAAAGTCTGTGATACTGAGAAAAGACAGTAGTTGCTTTAAACTCAGCA-3'

ClinVar aggregate classification (germline): Uncertain significance (1 of 4 stars; one submission).

Conditions:
Familial cancer of breast. Also called: Hereditary breast cancer; BREAST CANCER, FAMILIAL; hereditary breast carcinoma. Identifiers: Orphanet 227535, MedGen C0346153, MONDO:0016419, OMIM 114480. Disease mechanism: loss of function.

Submission:

Labcorp Genetics (formerly Invitae), Labcorp
Classification: Uncertain significance for Familial cancer of breast. Last evaluated: 2023-12-11. Review status: criteria provided, single submitter. Criteria: Invitae Variant Classification Sherloc (09022015). Collection method: clinical testing. Allele origin: germline.
Comment: This variant, c.1850_1858del, results in the deletion of 3 amino acid(s) of the PALB2 protein (p.Glu617_Phe619del), but otherwise preserves the integrity of the reading frame. This variant is not present in population databases (gnomAD no frequency). This variant has not been reported in the literature in individuals affected with PALB2-related conditions. Experimental studies and prediction algorithms are not available or were not evaluated, and the functional significance of this variant is currently unknown. In summary, the available evidence is currently insufficient to determine the role of this variant in disease. Therefore, it has been classified as a Variant of Uncertain Significance.